The following is an entry in ClinVar:

ClinVar aggregate classification (germline): Uncertain significance (1 of 4 stars; one submission).

gnomAD v4.1: 8 of 1,614,226 alleles (0.0005%); highest among the groups gnomAD compares: South Asian, 0.0088%; no homozygotes.

Submission:

Women's Health and Genetics/Laboratory Corporation of America, LabCorp
Classification: Uncertain significance. Last evaluated: 2026-01-02. Review status: criteria provided, single submitter. Criteria: LabCorp Variant Classification Summary - May 2015. Collection method: clinical testing. Allele origin: germline.
Comment: Variant summary: HOGA1 c.839C>G (p.Thr280Ser) results in a conservative amino acid change in the encoded protein sequence. Algorithms developed to predict the effect of missense changes on protein structure and function are either unavailable or do not agree on the potential impact of this missense change. The variant allele was found at a frequency of 4e-06 in 250006 control chromosomes. The available data on variant occurrences in the general population are insufficient to allow any conclusion about variant significance. To our knowledge, no occurrence of c.839C>G in individuals affected with HOGA1-related conditions and no experimental evidence demonstrating its impact on protein function have been reported. No submitters have cited clinical-significance assessments for this variant to ClinVar. Based on the evidence outlined above, the variant was classified as uncertain significance.

NM_138413.4(HOGA1):c.839C>G (p.Thr280Ser)

Gene: HOGA1 (4-hydroxy-2-oxoglutarate aldolase 1; plus strand). Cytogenetic location: 10q24.2.
Variant type: single nucleotide variant.
Coding change: c.839C>G on transcript NM_138413.4 (MANE Select); coding-DNA position 839, C replaced by G.
Protein change: p.Thr280Ser; replaces threonine 280 with serine.
Molecular consequence: missense variant.
Genome position (GRCh38, 1-based): chr10:97,611,514, C>G. VCF-style: chr10-97611514-C-G. GRCh37 (hg19) VCF-style: chr10-99371271-C-G.
Other names: c.350C>G, p.Thr117Ser (NM_001134670.2); short protein forms T117S, T280S.
Identifiers: ClinVar variation 4689687 (VCV004689687.1).